The following is an entry in ClinVar:

NM_000489.6(ATRX):c.3676A>C (p.Ile1226Leu)

Gene: ATRX (ATRX chromatin remodeler; minus strand). Cytogenetic location: Xq21.1.
Variant type: single nucleotide variant.
Coding change: c.3676A>C on transcript NM_000489.6 (MANE Select); coding-DNA position 3676, A replaced by C.
Protein change: p.Ile1226Leu; replaces isoleucine 1226 with leucine.
Molecular consequence: missense variant.
Genome position (GRCh38, 1-based): chrX:77,681,580, T>G on the plus strand (A>C on the coding strand, the complement: ATRX is on the minus strand). VCF-style: chrX-77681580-T-G. GRCh37 (hg19) VCF-style: chrX-76937072-T-G.
Other names: c.3562A>C, p.Ile1188Leu (NM_138270.5); short protein forms I1188L, I1226L.
Identifiers: ClinVar variation 1315650 (VCV001315650.3), dbSNP rs1557136863, ClinGen allele CA413705680.

ClinVar aggregate classification (germline): Uncertain significance (1 of 4 stars; one submission).

Allele frequency attached by ClinVar (database versions not stated): gnomAD exomes 0.00001.
gnomAD v4.1: 10 of 1,209,985 alleles (0.00083%); highest among the groups gnomAD compares: Non-Finnish European, 0.0011%; no homozygotes.

Submission:

GeneDx
Classification: Uncertain significance. Last evaluated: 2022-05-03. Review status: criteria provided, single submitter. Criteria: GeneDx Variant Classification Process June 2021. Collection method: clinical testing. Allele origin: germline. Affected: yes.
Comment: Not observed at a significant frequency in large population cohorts (gnomAD); In silico analysis supports that this missense variant does not alter protein structure/function; Has not been previously published as pathogenic or benign to our knowledge